The following is an entry in ClinVar:

NM_001868.4(CPA1):c.1058T>G (p.Ile353Ser)

Gene: CPA1 (carboxypeptidase A1; plus strand). Cytogenetic location: 7q32.2.
Variant type: single nucleotide variant.
Coding change: c.1058T>G on transcript NM_001868.4 (MANE Select); coding-DNA position 1058, T replaced by G.
Protein change: p.Ile353Ser; replaces isoleucine 353 with serine.
Molecular consequence: missense variant.
Genome position (GRCh38, 1-based): chr7:130,385,909, T>G. VCF-style: chr7-130385909-T-G. GRCh37 (hg19) VCF-style: chr7-130025750-T-G.
Other names: short protein forms I353S.
Identifiers: ClinVar variation 1779258 (VCV001779258.3), dbSNP rs1272295961, ClinGen allele CA369284121.

ClinVar aggregate classification (germline): Uncertain significance (1 of 4 stars; one submission).

Conditions:
Hereditary pancreatitis (PCTT). Also called: Hereditary chronic pancreatitis; PRSS1-Related Hereditary Pancreatitis. Identifiers: Orphanet 676, MedGen C0238339, MONDO:0008185, OMIM 167800.

Allele frequency attached by ClinVar (database versions not stated): gnomAD exomes below 0.00001; TOPMed below 0.00001.
gnomAD v4.1: 7 of 1,614,014 alleles (0.00043%); highest among the groups gnomAD compares: Admixed American, 0.0017%; no homozygotes.

Submission:

Ambry Genetics
Classification: Uncertain significance for Hereditary pancreatitis. Last evaluated: 2025-04-20. Review status: criteria provided, single submitter. Criteria: Ambry Variant Classification Scheme 2023. Collection method: clinical testing. Allele origin: germline.
Comment: The p.I353S variant (also known as c.1058T>G), located in coding exon 9 of the CPA1 gene, results from a T to G substitution at nucleotide position 1058. The isoleucine at codon 353 is replaced by serine, an amino acid with dissimilar properties. This amino acid position is conserved. In addition, the in silico prediction for this alteration is inconclusive. Since supporting evidence is limited at this time, the clinical significance of this alteration remains unclear.